The following is an entry in ClinVar:

ClinVar aggregate classification (germline): Conflicting classifications of pathogenicity. Review status: criteria provided, conflicting classifications (1 of 4 stars). 3 submissions from 3 submitters: Uncertain significance (1); Likely benign (1). 1 of the submissions does not count toward it. Last evaluated 2026-06-15.

Conditions:
CACNA1E-related disorder. Also called: CACNA1E-related condition.

Submissions (3):

GeneDx
Classification: Uncertain significance. Last evaluated: 2026-06-15. Review status: criteria provided, single submitter. Criteria: GeneDx Variant Classification Process June 2021. Collection method: clinical testing. Allele origin: germline.
Comment: Not observed at significant frequency in large population cohorts (gnomAD); Nonsense variant predicted to result in protein truncation or nonsense mediated decay in a gene or region of a gene for which loss of function is not a well-established mechanism of disease; Has not been previously published as pathogenic or benign to our knowledge

Labcorp Genetics (formerly Invitae), Labcorp
Classification: Likely benign. Last evaluated: 2024-01-29. Review status: criteria provided, single submitter. Criteria: Invitae Variant Classification Sherloc (09022015). Collection method: clinical testing. Allele origin: germline.

PreventionGenetics, part of Exact Sciences
Classification: Likely pathogenic for CACNA1E-related condition. Last evaluated: 2024-05-06. Review status: no assertion criteria provided. Collection method: clinical testing. Allele origin: germline. Not counted in ClinVar's aggregate classification.
Comment: The CACNA1E c.4615C>T variant is predicted to result in premature protein termination (p.Arg1539*). To our knowledge, this variant has not been reported in the literature or in a large population database, indicating this variant is rare. Nonsense variants in CACNA1E are expected to be pathogenic. This variant is interpreted as likely pathogenic.

NM_001205293.3(CACNA1E):c.4615C>T (p.Arg1539Ter)

Gene: CACNA1E (calcium voltage-gated channel subunit alpha1 E; plus strand). Cytogenetic location: 1q25.3.
Variant type: single nucleotide variant.
Coding change: c.4615C>T on transcript NM_001205293.3 (MANE Select); coding-DNA position 4615, C replaced by T.
Protein change: p.Arg1539Ter; replaces arginine 1539 with a stop codon.
Molecular consequence: nonsense.
Genome position (GRCh38, 1-based): chr1:181,762,583, C>T. VCF-style: chr1-181762583-C-T. GRCh37 (hg19) VCF-style: chr1-181731719-C-T.
Other names: c.4615C>T, p.Arg1539Ter (NM_000721.4); c.4558C>T, p.Arg1520Ter (NM_001205294.2); c.4615C>T (NM_000721.3); short protein forms R1539*, R1520*.
Identifiers: ClinVar variation 2803554 (VCV002803554.6), dbSNP rs2102718189, ClinGen allele CA343626043.
Genomic context (GRCh38, chr1:181,762,583, plus strand): 5'-TTTTTTTTTCTTTCCTTTTCTGATGTTCCTATGACTGAATTCATTTGGCAGAACTATTTC[C>T]GAGACACCTGGAATATCTTTGACTTCATCACCGTGATTGGCAGTATCACAGAAATTATCC-3'